The following is an entry in ClinVar:

NM_000268.4(NF2):c.1619A>G (p.Asn540Ser)

Gene: NF2 (NF2, moesin-ezrin-radixin like (MERLIN) tumor suppressor; plus strand). Cytogenetic location: 22q12.2.
Variant type: single nucleotide variant.
Coding change: c.1619A>G on transcript NM_000268.4 (MANE Select); coding-DNA position 1619, A replaced by G.
Protein change: p.Asn540Ser; replaces asparagine 540 with serine.
Molecular consequence: missense variant. On other transcripts: non-coding transcript variant (1), intron variant (1).
Genome position (GRCh38, 1-based): chr22:29,681,483, A>G. VCF-style: chr22-29681483-A-G. GRCh37 (hg19) VCF-style: chr22-30077472-A-G.
Other names: c.1619A>G, p.Asn540Ser (NM_016418.5, NM_181825.3, NM_181832.3); c.1493A>G, p.Asn498Ser (NM_181828.3); c.1496A>G, p.Asn499Ser (NM_181829.3); c.1370A>G, p.Asn457Ser (NM_181830.3, NM_181831.3); c.448-13269A>G (NM_181833.3); short protein forms N540S, N457S, N498S, N499S.
Identifiers: ClinVar variation 565467 (VCV000565467.25), dbSNP rs774824164, ClinGen allele CA032390.

ClinVar aggregate classification (germline): Conflicting classifications of pathogenicity. Review status: criteria provided, conflicting classifications (1 of 4 stars). 7 submissions from 7 submitters: Uncertain significance (5); Likely benign (2). Last evaluated 2026-02-02.

Conditions:
Hereditary cancer-predisposing syndrome. Also called: Tumor predisposition; Neoplastic Syndromes, Hereditary; Hereditary neoplastic syndrome; Hereditary Cancer Syndrome. Identifiers: Orphanet 140162, MedGen C0027672, MeSH D009386, MONDO:0015356.
Neurofibromatosis, type 2 (SWNV). Also called: NF2-Related Schwannomatosis; BILATERAL ACOUSTIC NEUROFIBROMATOSIS; SCHWANNOMATOSIS, VESTIBULAR. Identifiers: Orphanet 637, MedGen C0027832, MONDO:0007039, OMIM 101000. Disease mechanism: loss of function.
SMARCB1-related schwannomatosis. Also called: Schwannomatosis 1; SWNTS1. Identifiers: Orphanet 93921, MedGen C4048809, MONDO:0024517, OMIM 162091. Disease mechanism: loss of function.
Familial meningioma. Also called: Meningioma, familial, susceptibility to. Identifiers: Orphanet 263662, MedGen C3551915, MONDO:0011789, OMIM 607174.

Allele frequency attached by ClinVar (database versions not stated): gnomAD 0.00003 and 0.00004; gnomAD exomes 0.00004 and 0.00001; ExAC 0.00001; TOPMed 0.00002.

Submissions (7):

Labcorp Genetics (formerly Invitae), Labcorp
Classification: Likely benign for Neurofibromatosis, type 2. Last evaluated: 2026-02-02. Review status: criteria provided, single submitter. Criteria: Invitae Variant Classification Sherloc (09022015). Collection method: clinical testing. Allele origin: germline.

Color Diagnostics, LLC DBA Color Health
Classification: Uncertain significance for Neurofibromatosis, type 2. Last evaluated: 2025-06-23. Review status: criteria provided, single submitter. Criteria: ACMG Guidelines, 2015. Collection method: clinical testing. Allele origin: germline.
Comment: This missense variant replaces asparagine with serine at codon 540 of the NF2 protein. Computational prediction suggests that this variant may not impact protein structure and function. To our knowledge, functional studies have not been reported for this variant. This variant has not been reported in individuals affected with NF2-related disorders in the literature. This variant has been identified in 4/282856 chromosomes in the general population by the Genome Aggregation Database (gnomAD). The available evidence is insufficient to determine the role of this variant in disease conclusively. Therefore, this variant is classified as a Variant of Uncertain Significance.

All of Us Research Program, National Institutes of Health
Classification: Uncertain significance for Neurofibromatosis, type 2. Last evaluated: 2024-09-23. Review status: criteria provided, single submitter. Criteria: ACMG Guidelines, 2015. Collection method: clinical testing. Allele origin: germline. Inheritance: Autosomal dominant inheritance. Observed: 14 variant alleles, 14 heterozygotes.
Comment: This missense variant replaces asparagine with serine at codon 540 of the NF2 protein. Computational prediction suggests that this variant may not impact protein structure and function (internally defined REVEL score threshold <= 0.5, PMID: 27666373). To our knowledge, functional studies have not been reported for this variant. This variant has not been reported in individuals affected with NF2-related disorders in the literature. This variant has been identified in 4/282856 chromosomes in the general population by the Genome Aggregation Database (gnomAD). The available evidence is insufficient to determine the role of this variant in disease conclusively. Therefore, this variant is classified as a Variant of Uncertain Significance.

This study involves interpretation of variants in research participants for the purpose of population health screening. Participant phenotype was not available at the time of variant classification. Additional details can be found in publication PMID: 35346344, PMCID: PMC8962531

Sema4
Classification: Uncertain significance for Hereditary cancer-predisposing syndrome. Last evaluated: 2021-11-12. Review status: criteria provided, single submitter. Criteria: Sema4 Curation Guidelines. Collection method: curation. Allele origin: germline.
Comment: To the best of our knowledge, the NF2 c.1619A>G (p.N540S) variant has not been reported in individuals with NF2-related disease. It has been reported as c.1370A>G (p.N457S) in a control study (PMID: 29641532). This variant was observed in 3/24964 chromosomes in the African population according to the Genome Aggregation Database (PMID: 32461654), and has been reported in ClinVar (Variation ID: 565467). Functional studies have not been performed, and in silico predictions of the variant's effect on protein function are inconclusive. Based on the current evidence available, this variant is interpreted as a variant of uncertain significance.

Genome-Nilou Lab
Classification: Uncertain significance for Neurofibromatosis, type 2. Last evaluated: 2021-11-07. Review status: criteria provided, single submitter. Criteria: ACMG Guidelines, 2015. Collection method: clinical testing. Allele origin: germline. Affected: no.

Ambry Genetics
Classification: Likely benign for Hereditary cancer-predisposing syndrome. Last evaluated: 2020-12-29. Review status: criteria provided, single submitter. Criteria: Ambry Variant Classification Scheme 2023. Collection method: clinical testing. Allele origin: germline.

Fulgent Genetics
Classification: Uncertain significance for Neurofibromatosis, type 2; SMARCB1-related schwannomatosis; Familial meningioma. Last evaluated: 2018-10-31. Review status: criteria provided, single submitter. Criteria: ACMG Guidelines, 2015. Collection method: clinical testing. Allele origin: unknown.

Literature cited by the submitters: PubMed 29641532 (cited by Sema4).